The following is an entry in ClinVar:

ClinVar aggregate classification (germline): Uncertain significance. Review status: criteria provided, multiple submitters, no conflicts (2 of 4 stars). 3 submissions from 3 submitters: Uncertain significance (3). Last evaluated 2022-07-20.

Conditions:
Hereditary cancer-predisposing syndrome. Also called: Neoplastic Syndromes, Hereditary; Tumor predisposition; Hereditary Cancer Syndrome; Hereditary neoplastic syndrome. Identifiers: Orphanet 140162, MedGen C0027672, MeSH D009386, MONDO:0015356.
Cardiovascular phenotype. Identifiers: MedGen CN230736.

Allele frequency attached by ClinVar (database versions not stated): gnomAD exomes below 0.00001.
gnomAD v4.1: 2 of 1,600,498 alleles (0.00012%); highest among the groups gnomAD compares: Admixed American, 0.0017%; no homozygotes.

Submissions (3):

GeneDx
Classification: Uncertain significance. Last evaluated: 2022-07-20. Review status: criteria provided, single submitter. Criteria: GeneDx Variant Classification Process June 2021. Collection method: clinical testing. Allele origin: germline. Affected: yes.
Comment: Not observed at significant frequency in large population cohorts (gnomAD); In silico analysis supports that this missense variant has a deleterious effect on protein structure/function; Has not been previously published as pathogenic or benign to our knowledge

Ambry Genetics
Classification: Uncertain significance for Cardiovascular phenotype; Hereditary cancer-predisposing syndrome. Last evaluated: 2022-05-21. Review status: criteria provided, single submitter. Criteria: Ambry Variant Classification Scheme 2023. Collection method: clinical testing. Allele origin: germline.
Comment: The p.L389P variant (also known as c.1166T>C), located in coding exon 11 of the LZTR1 gene, results from a T to C substitution at nucleotide position 1166. The leucine at codon 389 is replaced by proline, an amino acid with similar properties. This amino acid position is conserved. In addition, the in silico prediction for this alteration is inconclusive. Since supporting evidence is limited at this time, the clinical significance of this alteration remains unclear.

Labcorp Genetics (formerly Invitae), Labcorp
Classification: Uncertain significance. Last evaluated: 2022-03-04. Review status: criteria provided, single submitter. Criteria: Invitae Variant Classification Sherloc (09022015). Collection method: clinical testing. Allele origin: germline.
Comment: In summary, the available evidence is currently insufficient to determine the role of this variant in disease. Therefore, it has been classified as a Variant of Uncertain Significance. Algorithms developed to predict the effect of missense changes on protein structure and function (SIFT, PolyPhen-2, Align-GVGD) all suggest that this variant is likely to be disruptive. This variant has not been reported in the literature in individuals affected with LZTR1-related conditions. The frequency data for this variant in the population databases is considered unreliable, as metrics indicate poor data quality at this position in the gnomAD database. This sequence change replaces leucine, which is neutral and non-polar, with proline, which is neutral and non-polar, at codon 389 of the LZTR1 protein (p.Leu389Pro).

NM_006767.4(LZTR1):c.1166T>C (p.Leu389Pro)

Gene: LZTR1 (leucine zipper like post translational regulator 1; plus strand). Cytogenetic location: 22q11.21.
Variant type: single nucleotide variant.
Coding change: c.1166T>C on transcript NM_006767.4 (MANE Select); coding-DNA position 1166, T replaced by C.
Protein change: p.Leu389Pro; replaces leucine 389 with proline.
Molecular consequence: missense variant.
Genome position (GRCh38, 1-based): chr22:20,992,810, T>C. VCF-style: chr22-20992810-T-C. GRCh37 (hg19) VCF-style: chr22-21347099-T-C.
Other names: short protein forms L389P.
Identifiers: ClinVar variation 1738335 (VCV001738335.7), dbSNP rs1314854801, ClinGen allele CA410773665.